The following is an entry in ClinVar:

ClinVar aggregate classification (germline): Uncertain significance. Review status: criteria provided, multiple submitters, no conflicts (2 of 4 stars). 2 submissions from 2 submitters: Uncertain significance (2). Last evaluated 2026-01-13.

Allele frequency attached by ClinVar (database versions not stated): gnomAD 0.00003; 1000 Genomes Project 0.00040; TOPMed 0.00002; 1000 Genomes Project 30x 0.00047; ExAC 0.00002.
gnomAD v4.1: 17 of 1,613,516 alleles (0.0011%); highest among the groups gnomAD compares: East Asian, 0.018%; no homozygotes.

Submissions (2):

Labcorp Genetics (formerly Invitae), Labcorp
Classification: Uncertain significance. Last evaluated: 2026-01-13. Review status: criteria provided, single submitter. Criteria: Invitae Variant Classification Sherloc (09022015). Collection method: clinical testing. Allele origin: germline.
Comment: This sequence change replaces alanine, which is neutral and non-polar, with serine, which is neutral and polar, at codon 288 of the PITPNM3 protein (p.Ala288Ser). This variant is present in population databases (rs200058178, gnomAD 0.02%). This variant has not been reported in the literature in individuals affected with PITPNM3-related conditions. ClinVar contains an entry for this variant (Variation ID: 2518818). Invitae Evidence Modeling of protein sequence and biophysical properties (such as structural, functional, and spatial information, amino acid conservation, physicochemical variation, residue mobility, and thermodynamic stability) indicates that this missense variant is not expected to disrupt PITPNM3 protein function with a negative predictive value of 80%. In summary, the available evidence is currently insufficient to determine the role of this variant in disease. Therefore, it has been classified as a Variant of Uncertain Significance.

Ambry Genetics
Classification: Uncertain significance. Last evaluated: 2023-06-02. Review status: criteria provided, single submitter. Criteria: Ambry Variant Classification Scheme 2023. Collection method: clinical testing. Allele origin: germline.

NM_031220.4(PITPNM3):c.862G>T (p.Ala288Ser)

Gene: PITPNM3 (PITPNM family member 3; minus strand). Cytogenetic location: 17p13.2.
Variant type: single nucleotide variant.
Coding change: c.862G>T on transcript NM_031220.4 (MANE Select); coding-DNA position 862, G replaced by T.
Protein change: p.Ala288Ser; replaces alanine 288 with serine.
Molecular consequence: missense variant.
Genome position (GRCh38, 1-based): chr17:6,478,013, C>A on the plus strand (G>T on the coding strand, the complement: PITPNM3 is on the minus strand). VCF-style: chr17-6478013-C-A. GRCh37 (hg19) VCF-style: chr17-6381333-C-A.
Other names: c.754G>T, p.Ala252Ser (NM_001165966.2); short protein forms A252S, A288S.
Identifiers: ClinVar variation 2518818 (VCV002518818.5), dbSNP rs200058178, ClinGen allele CA8329716.